The following is an entry in ClinVar:

ClinVar aggregate classification (germline): Uncertain significance (1 of 4 stars; one submission).

Conditions:
Hereditary cancer-predisposing syndrome. Also called: Tumor predisposition; Neoplastic Syndromes, Hereditary; Hereditary Cancer Syndrome; Hereditary neoplastic syndrome. Identifiers: Orphanet 140162, MedGen C0027672, MeSH D009386, MONDO:0015356.

Submission:

Ambry Genetics
Classification: Uncertain significance for Hereditary cancer-predisposing syndrome. Last evaluated: 2025-02-07. Review status: criteria provided, single submitter. Criteria: Ambry Variant Classification Scheme 2023. Collection method: clinical testing. Allele origin: germline.
Comment: The c.3918_3926dupTAATCTCCC variant (also known as p.N1307_P1309dup), located in coding exon 9 of the MSH6 gene, results from an in-frame duplication of TAATCTCCC at nucleotide positions 3918 to 3926. This results in the duplication of 3 extra residues (NLP) between codons 1307 and 1309. This amino acid region is well conserved in available vertebrate species. In addition, this alteration is predicted to be deleterious by in silico analysis (Choi Y et al. PLoS ONE. 2012; 7(10):e46688). Based on the available evidence, the clinical significance of this variant remains unclear.

NM_000179.3(MSH6):c.3918_3926dup (p.Pro1309_Glu1310insAsnLeuPro)

Gene: MSH6 (mutS homolog 6; plus strand). Cytogenetic location: 2p16.3.
Variant type: Duplication.
Coding change: c.3918_3926dup on transcript NM_000179.3 (MANE Select); coding-DNA positions 3918 to 3926, 9 bases duplicated (TAATCTCCC; older notation c.3918_3926dupTAATCTCCC).
Protein change: p.Pro1309_Glu1310insAsnLeuPro.
Molecular consequence: inframe insertion. On other transcripts: non-coding transcript variant (5), intron variant (1), inframe indel (1).
Genome position (GRCh38, 1-based): chr2:47,806,568-47,806,576, TAATCTCCC duplicated; duplicating any 9 consecutive bases within chr2:47,806,567-47,806,576 gives the same sequence; the c. name uses the placement nearest the transcript's 3' end. VCF-style (leftmost placement, unchanged base first): chr2-47806566-G-GCTAATCTCC. GRCh37 (hg19) VCF-style: chr2-48033705-G-GCTAATCTCC.
Other names: c.3744_3752dup, p.Pro1251_Glu1252insAsnLeuPro (NM_001406798.1); c.3393_3401dup, p.Pro1134_Glu1135insAsnLeuPro (NM_001406799.1, NM_001406806.1, NM_001406807.1); c.3905_3913dup, p.Ser1304_Gln1305insLeuIleSer (NM_001406800.1); c.3621_3629dup, p.Pro1210_Glu1211insAsnLeuPro (NM_001406801.1, NM_001406805.1, NM_001406818.1 and 10 more transcripts); c.3054_3062dup, p.Pro1021_Glu1022insAsnLeuPro (NM_001406803.1); c.3840_3848dup, p.Pro1283_Glu1284insAsnLeuPro (NM_001406804.1); c.3918_3926dup, p.Pro1309_Glu1310insAsnLeuPro (NM_001406808.1, NM_001406809.1, NM_001406796.1); c.3012_3020dup, p.Pro1007_Glu1008insAsnLeuPro (NM_001406811.1, NM_001406812.1, NM_001406814.1 and 6 more transcripts); and 10 more.
Identifiers: ClinVar variation 3875082 (VCV003875082.1).